The following is an entry in ClinVar:

ClinVar aggregate classification (germline): Uncertain significance (1 of 4 stars; one submission).

Conditions:
Koolen-de Vries syndrome (KDVS). Identifiers: Orphanet 96169, MedGen C1864871, MONDO:0012496, OMIM 610443.

Allele frequency attached by ClinVar (database versions not stated): gnomAD exomes below 0.00001 and 0.00001; gnomAD 0.00001; TOPMed 0.00001.
gnomAD v4.1: 6 of 1,598,570 alleles (0.00038%); highest among the groups gnomAD compares: East Asian, 0.0045%; no homozygotes.

Submission:

Labcorp Genetics (formerly Invitae), Labcorp
Classification: Uncertain significance for Koolen-de Vries syndrome. Last evaluated: 2025-12-12. Review status: criteria provided, single submitter. Criteria: Invitae Variant Classification Sherloc (09022015). Collection method: clinical testing. Allele origin: germline.
Comment: This sequence change replaces threonine, which is neutral and polar, with methionine, which is neutral and non-polar, at codon 936 of the KANSL1 protein (p.Thr936Met). The frequency data for this variant in the population databases is considered unreliable, as metrics indicate poor data quality at this position in the gnomAD database. This variant has not been reported in the literature in individuals affected with KANSL1-related conditions. ClinVar contains an entry for this variant (Variation ID: 1443508). Invitae Evidence Modeling of protein sequence and biophysical properties (such as structural, functional, and spatial information, amino acid conservation, physicochemical variation, residue mobility, and thermodynamic stability) indicates that this missense variant is not expected to disrupt KANSL1 protein function with a negative predictive value of 80%. In summary, the available evidence is currently insufficient to determine the role of this variant in disease. Therefore, it has been classified as a Variant of Uncertain Significance.

NM_015443.4(KANSL1):c.2807C>T (p.Thr936Met)

Gene: KANSL1 (KAT8 regulatory NSL complex subunit 1). Cytogenetic location: 17q21.31.
Variant type: single nucleotide variant.
Coding change: c.2807C>T on transcript NM_015443.4 (MANE Select); coding-DNA position 2807, C replaced by T.
Protein change: p.Thr936Met; replaces threonine 936 with methionine.
Molecular consequence: missense variant.
Genome position (GRCh38, 1-based): chr17:46,033,110, G>A on the plus strand (C>T on the coding strand, the complement: KANSL1 is on the minus strand). VCF-style: chr17-46033110-G-A. GRCh37 (hg19) VCF-style: chr17-44110476-G-A.
Other names: c.2804C>T, p.Thr935Met (NM_001193465.2); c.2807C>T, p.Thr936Met (NM_001193466.2, NM_001379198.1); short protein forms T936M, T935M.
Identifiers: ClinVar variation 1443508 (VCV001443508.8), dbSNP rs867665726, ClinGen allele CA291126904.